The following is an entry in ClinVar:

ClinVar aggregate classification (germline): Uncertain significance. Review status: criteria provided, multiple submitters, no conflicts (2 of 4 stars). 2 submissions from 2 submitters: Uncertain significance (2). Last evaluated 2025-11-24.

Conditions:
Inborn genetic diseases. Identifiers: MedGen C0950123, MeSH D030342.

Allele frequency attached by ClinVar (database versions not stated): TOPMed 0.00003; gnomAD exomes below 0.00001; gnomAD 0.00001.
gnomAD v4.1: 6 of 1,607,902 alleles (0.00037%); highest among the groups gnomAD compares: African/African-American, 0.004%; no homozygotes.

Submissions (2):

Labcorp Genetics (formerly Invitae), Labcorp
Classification: Uncertain significance. Last evaluated: 2025-11-24. Review status: criteria provided, single submitter. Criteria: Invitae Variant Classification Sherloc (09022015). Collection method: clinical testing. Allele origin: germline.
Comment: This sequence change replaces arginine, which is basic and polar, with glutamine, which is neutral and polar, at codon 214 of the RORB protein (p.Arg214Gln). This variant is not present in population databases (gnomAD no frequency). This variant has not been reported in the literature in individuals affected with RORB-related conditions. ClinVar contains an entry for this variant (Variation ID: 2332276). An algorithm developed to predict the effect of missense changes on protein structure and function (PolyPhen-2) suggests that this variant is likely to be tolerated. In summary, the available evidence is currently insufficient to determine the role of this variant in disease. Therefore, it has been classified as a Variant of Uncertain Significance.

Ambry Genetics
Classification: Uncertain significance for Inborn genetic diseases. Last evaluated: 2022-12-02. Review status: criteria provided, single submitter. Criteria: Ambry Variant Classification Scheme 2023. Collection method: clinical testing. Allele origin: germline.

NM_006914.4(RORB):c.641G>A (p.Arg214Gln)

Gene: RORB (RAR related orphan receptor B; plus strand). Cytogenetic location: 9q21.13.
Variant type: single nucleotide variant.
Coding change: c.641G>A on transcript NM_006914.4 (MANE Select); coding-DNA position 641, G replaced by A.
Protein change: p.Arg214Gln; replaces arginine 214 with glutamine.
Molecular consequence: missense variant.
Genome position (GRCh38, 1-based): chr9:74,660,620, G>A. VCF-style: chr9-74660620-G-A. GRCh37 (hg19) VCF-style: chr9-77275536-G-A.
Other names: c.674G>A, p.Arg225Gln (NM_001365023.1); short protein forms R214Q, R225Q.
Identifiers: ClinVar variation 2332276 (VCV002332276.5), dbSNP rs1824166411, ClinGen allele CA373770350.